The following is an entry in ClinVar:

ClinVar aggregate classification (germline): Uncertain significance (1 of 4 stars; one submission).

Submission:

Labcorp Genetics (formerly Invitae), Labcorp
Classification: Uncertain significance. Last evaluated: 2026-01-27. Review status: criteria provided, single submitter. Criteria: Invitae Variant Classification Sherloc (09022015). Collection method: clinical testing. Allele origin: germline.
Comment: This sequence change replaces valine, which is neutral and non-polar, with isoleucine, which is neutral and non-polar, at codon 130 of the CFHR5 protein (p.Val130Ile). This variant is not present in population databases (gnomAD no frequency). This variant has not been reported in the literature in individuals affected with CFHR5-related conditions. An algorithm developed to predict the effect of missense changes on protein structure and function (PolyPhen-2) suggests that this variant is likely to be tolerated. In summary, the available evidence is currently insufficient to determine the role of this variant in disease. Therefore, it has been classified as a Variant of Uncertain Significance.

NM_030787.4(CFHR5):c.388G>A (p.Val130Ile)

Gene: CFHR5 (complement factor H related 5; plus strand). Cytogenetic location: 1q31.3.
Variant type: single nucleotide variant.
Coding change: c.388G>A on transcript NM_030787.4 (MANE Select); coding-DNA position 388, G replaced by A.
Protein change: p.Val130Ile; replaces valine 130 with isoleucine.
Molecular consequence: missense variant.
Genome position (GRCh38, 1-based): chr1:196,984,095, G>A. VCF-style: chr1-196984095-G-A. GRCh37 (hg19) VCF-style: chr1-196953225-G-A.
Other names: short protein forms V130I.
Identifiers: ClinVar variation 4703635 (VCV004703635.1).